The following is an entry in ClinVar:

NM_000038.6(APC):c.6149A>G (p.Lys2050Arg)

Gene: APC (APC regulator of Wnt signaling pathway; plus strand). Cytogenetic location: 5q22.2.
Variant type: single nucleotide variant.
Coding change: c.6149A>G on transcript NM_000038.6 (MANE Select); coding-DNA position 6149, A replaced by G.
Protein change: p.Lys2050Arg; replaces lysine 2050 with arginine.
Molecular consequence: missense variant. On other transcripts: non-coding transcript variant (2).
Genome position (GRCh38, 1-based): chr5:112,841,743, A>G. VCF-style: chr5-112841743-A-G. GRCh37 (hg19) VCF-style: chr5-112177440-A-G.
Other names: c.6149A>G, p.Lys2050Arg (NM_001127510.3, NM_001354895.2, NM_001407450.1); c.6095A>G, p.Lys2032Arg (NM_001127511.3); c.6203A>G, p.Lys2068Arg (NM_001354896.2, NM_001407447.1, NM_001407448.1 and 1 more transcripts); c.6179A>G, p.Lys2060Arg (NM_001354897.2); c.6074A>G, p.Lys2025Arg (NM_001354898.2); c.6065A>G, p.Lys2022Arg (NM_001354899.2); c.6026A>G, p.Lys2009Arg (NM_001354900.2); c.5972A>G, p.Lys1991Arg (NM_001354901.2, NM_001407453.1); and 11 more; short protein forms K1666R, K1921R, K1967R, K2025R, K2032R, K2009R, K2043R, K2050R.
Identifiers: ClinVar variation 3412167 (VCV003412167.1).

ClinVar aggregate classification (germline): Uncertain significance (1 of 4 stars; one submission).

Conditions:
Hereditary cancer-predisposing syndrome. Also called: Neoplastic Syndromes, Hereditary; Tumor predisposition; Hereditary Cancer Syndrome; Hereditary neoplastic syndrome. Identifiers: Orphanet 140162, MedGen C0027672, MeSH D009386, MONDO:0015356.

gnomAD v4.1: 1 of 1,614,080 alleles (0.000062%); highest among the groups gnomAD compares: Admixed American, 0.0017%; no homozygotes.

Submission:

Ambry Genetics
Classification: Uncertain significance for Hereditary cancer-predisposing syndrome. Last evaluated: 2024-11-10. Review status: criteria provided, single submitter. Criteria: Ambry Variant Classification Scheme 2023. Collection method: clinical testing. Allele origin: germline.
Comment: The p.K2050R variant (also known as c.6149A>G), located in coding exon 15 of the APC gene, results from an A to G substitution at nucleotide position 6149. The lysine at codon 2050 is replaced by arginine, an amino acid with highly similar properties. This amino acid position is conserved. In addition, in silico predictors for this gene do not accurately predict pathogenicity. Based on the available evidence, the clinical significance of this variant remains unclear.